The following is an entry in ClinVar:

ClinVar aggregate classification (germline): Uncertain significance (1 of 4 stars; one submission).

Allele frequency attached by ClinVar (database versions not stated): ExAC 0.00001; gnomAD exomes 0.00002.
gnomAD v4.1: 17 of 1,587,878 alleles (0.0011%); highest among the groups gnomAD compares: Non-Finnish European, 0.00017%; no homozygotes.

Submission:

Labcorp Genetics (formerly Invitae), Labcorp
Classification: Uncertain significance. Last evaluated: 2021-08-07. Review status: criteria provided, single submitter. Criteria: Invitae Variant Classification Sherloc (09022015). Collection method: clinical testing. Allele origin: germline.
Comment: This sequence change replaces isoleucine with leucine at codon 2379 of the VPS13C protein (p.Ile2379Leu). The isoleucine residue is weakly conserved and there is a small physicochemical difference between isoleucine and leucine. This variant is present in population databases (rs200869994, ExAC 0.002%). This variant has not been reported in the literature in individuals affected with VPS13C-related conditions. Algorithms developed to predict the effect of missense changes on protein structure and function (SIFT, PolyPhen-2, Align-GVGD) all suggest that this variant is likely to be tolerated. In summary, the available evidence is currently insufficient to determine the role of this variant in disease. Therefore, it has been classified as a Variant of Uncertain Significance.

NM_020821.3(VPS13C):c.7135A>C (p.Ile2379Leu)

Gene: VPS13C (vacuolar protein sorting 13 homolog C; minus strand). Cytogenetic location: 15q22.2.
Variant type: single nucleotide variant.
Coding change: c.7135A>C on transcript NM_020821.3 (MANE Select); coding-DNA position 7135, A replaced by C.
Protein change: p.Ile2379Leu; replaces isoleucine 2379 with leucine.
Molecular consequence: missense variant.
Genome position (GRCh38, 1-based): chr15:61,920,575, T>G on the plus strand (A>C on the coding strand, the complement: VPS13C is on the minus strand). VCF-style: chr15-61920575-T-G. GRCh37 (hg19) VCF-style: chr15-62212774-T-G.
Other names: c.7135A>C, p.Ile2379Leu (NM_001018088.3); c.7006A>C, p.Ile2336Leu (NM_017684.5, NM_018080.4); short protein forms I2336L, I2379L.
Identifiers: ClinVar variation 1503982 (VCV001503982.6), dbSNP rs200869994, ClinGen allele CA7595348.